The following is an entry in ClinVar:

NM_005219.5(DIAPH1):c.1527dup (p.Glu510Ter)

Gene: DIAPH1 (diaphanous related formin 1; minus strand). Cytogenetic location: 5q31.3.
Variant type: Duplication.
Coding change: c.1527dup on transcript NM_005219.5 (MANE Select); coding-DNA position 1527, one base duplicated (T; older notation c.1527dupT).
Protein change: p.Glu510Ter; replaces glutamic acid 510 with a stop codon.
Molecular consequence: nonsense.
Genome position (GRCh38, 1-based): chr5:141,575,081, A duplicated on the plus strand (T on the coding strand, the reverse complement: DIAPH1 is on the minus strand); the first of 3 consecutive A bases (chr5:141,575,081-141,575,083); duplicating any one gives the same sequence. VCF-style (leftmost placement, unchanged base first): chr5-141575080-C-CA. GRCh37 (hg19) VCF-style: chr5-140954647-C-CA.
Other names: c.1500dup, p.Glu501Ter (NM_001079812.3); c.1527dup, p.Glu510Ter (NM_001314007.2); short protein forms E501*, E510*.
Identifiers: ClinVar variation 5006847 (VCV005006847.2).

ClinVar aggregate classification (germline): Pathogenic (1 of 4 stars; one submission).

Conditions:
Progressive microcephaly-seizures-cortical blindness-developmental delay syndrome. Also called: Seizures, cortical blindness, and microcephaly syndrome. Identifiers: Orphanet 477814, MedGen C5567650, MONDO:0014714, OMIM 616632.
Autosomal dominant nonsyndromic hearing loss 1. Also called: KONIGSMARK SYNDROME; DEAFNESS, AUTOSOMAL DOMINANT 1, WITH OR WITHOUT THROMBOCYTOPENIA. Identifiers: Orphanet 90635, MedGen C1852282, MONDO:0007424, OMIM 124900.

Submission:

Juno Genomics, Hangzhou Juno Genomics, Inc
Classification: Pathogenic for Autosomal dominant nonsyndromic hearing loss 1; Progressive microcephaly-seizures-cortical blindness-developmental delay syndrome. Review status: criteria provided, single submitter. Criteria: ACMG Guidelines, 2015. Collection method: clinical testing. Allele origin: germline.
Comment: Absent from controls (or at extremely low frequency if recessive) in Genome Aggregation Database.;Null variant in a gene where loss of function (LOF) is a known mechanism of disease.;For recessive disorders, detected in trans with a pathogenic variant.